The following is an entry in ClinVar:

ClinVar aggregate classification (germline): Uncertain significance. Review status: criteria provided, multiple submitters, no conflicts (2 of 4 stars). 5 submissions from 5 submitters: Uncertain significance (5). Last evaluated 2025-06-11.

Conditions:
Autoinflammatory syndrome. Identifiers: Orphanet 93665, MedGen C3890737, MONDO:0019751.
Familial cold autoinflammatory syndrome 2 (FCAS2). Identifiers: Orphanet 247868, MedGen C2673198, MONDO:0012724, OMIM 611762.

Allele frequency attached by ClinVar (database versions not stated): ExAC 0.00002; gnomAD exomes 0.00002 and 0.00007; TOPMed 0.00002; gnomAD 0.00004.
gnomAD v4.1: 110 of 1,613,968 alleles (0.0068%); highest among the groups gnomAD compares: Middle Eastern, 0.099%; no homozygotes.

Submissions (5):

Labcorp Genetics (formerly Invitae), Labcorp
Classification: Uncertain significance for Familial cold autoinflammatory syndrome 2. Last evaluated: 2025-06-11. Review status: criteria provided, single submitter. Criteria: Invitae Variant Classification Sherloc (09022015). Collection method: clinical testing. Allele origin: germline.
Comment: This sequence change replaces leucine, which is neutral and non-polar, with isoleucine, which is neutral and non-polar, at codon 858 of the NLRP12 protein (p.Leu858Ile). This variant is present in population databases (rs766678083, gnomAD 0.003%). This variant has not been reported in the literature in individuals affected with NLRP12-related conditions. ClinVar contains an entry for this variant (Variation ID: 656852). Invitae Evidence Modeling of protein sequence and biophysical properties (such as structural, functional, and spatial information, amino acid conservation, physicochemical variation, residue mobility, and thermodynamic stability) indicates that this missense variant is not expected to disrupt NLRP12 protein function with a negative predictive value of 80%. In summary, the available evidence is currently insufficient to determine the role of this variant in disease. Therefore, it has been classified as a Variant of Uncertain Significance.

Blueprint Genetics
Classification: Uncertain significance. Last evaluated: 2024-11-21. Review status: criteria provided, single submitter. Criteria: ACMG Guidelines, 2015. Collection method: clinical testing. Allele origin: germline.

CeGaT Center for Human Genetics Tuebingen
Classification: Uncertain significance. Last evaluated: 2023-06-01. Review status: criteria provided, single submitter. Criteria: CeGaT Center For Human Genetics Tuebingen Variant Classification Criteria Version 2. Collection method: clinical testing. Allele origin: germline. Affected: yes. Observed: 3 variant alleles.

Genome Diagnostics Laboratory, The Hospital for Sick Children
Classification: Uncertain significance for Autoinflammatory syndrome. Last evaluated: 2017-12-01. Review status: criteria provided, single submitter. Criteria: ACMG Guidelines, 2015. Collection method: clinical testing. Allele origin: germline. Affected: yes.

Neuberg Centre For Genomic Medicine, NCGM
Classification: Uncertain significance for Familial cold autoinflammatory syndrome 2. Review status: criteria provided, single submitter. Criteria: ACMG Guidelines, 2015. Collection method: clinical testing. Allele origin: germline. Inheritance: Autosomal dominant inheritance. Affected: yes.
Comment: The observed missense c.2572C>A (p.Leu858Ile) variant in NLRP12 gene has not been reported previously as a pathogenic variant nor as a benign variant, to our knowledge. The p.Leu858Ile variant is present with allele frequency of 0.002% in gnomAD Exomes. This variant has been submitted to the ClinVar database as Likely Benign/ Uncertain Significance. Computational evidence (Polyphen - Probably Damaging, SIFT - Disease causing and MutationTaster - Polymorphism) predicts conflicting evidence on protein structure and function for this variant. The reference amino acid of p.Leu858Ile in NLRP12 is predicted as conserved by GERP++ and PhyloP across 100 vertebrates. The amino acid Leu at position 858 is changed to a Ile changing protein sequence and it might alter its composition and physico-chemical properties. For these reasons, this variant has been classified as a Variant of Uncertain Significance (VUS).

NM_144687.4(NLRP12):c.2572C>A (p.Leu858Ile)

Gene: NLRP12 (NLR family pyrin domain containing 12; minus strand). Cytogenetic location: 19q13.42.
Variant type: single nucleotide variant.
Coding change: c.2572C>A on transcript NM_144687.4 (MANE Select); coding-DNA position 2572, C replaced by A.
Protein change: p.Leu858Ile; replaces leucine 858 with isoleucine.
Molecular consequence: missense variant.
Genome position (GRCh38, 1-based): chr19:53,803,965, G>T on the plus strand (C>A on the coding strand, the complement: NLRP12 is on the minus strand). VCF-style: chr19-53803965-G-T. GRCh37 (hg19) VCF-style: chr19-54307219-G-T.
Other names: c.2575C>A, p.Leu859Ile (NM_001277126.2); c.2572C>A, p.Leu858Ile (NM_001277129.1); short protein forms L858I, L859I.
Identifiers: ClinVar variation 656852 (VCV000656852.47), dbSNP rs766678083, ClinGen allele CA9639041.